The following is an entry in ClinVar:

NM_001211.6(BUB1B):c.911A>C (p.Lys304Thr)

Gene: BUB1B (BUB1 mitotic checkpoint serine/threonine kinase B; plus strand). Cytogenetic location: 15q15.1.
Variant type: single nucleotide variant.
Coding change: c.911A>C on transcript NM_001211.6 (MANE Select); coding-DNA position 911, A replaced by C.
Protein change: p.Lys304Thr; replaces lysine 304 with threonine.
Molecular consequence: missense variant.
Genome position (GRCh38, 1-based): chr15:40,185,324, A>C. VCF-style: chr15-40185324-A-C. GRCh37 (hg19) VCF-style: chr15-40477525-A-C.
Other names: short protein forms K304T.
Identifiers: ClinVar variation 4600218 (VCV004600218.1).
Genomic context (GRCh38, chr15:40,185,324, plus strand): 5'-CAGCAGAGTTGTCTAAGCCTACAGTCCAGCCATGGATAGCACCCCCCATGCCCAGGGCCA[A>C]AGAGAATGAGCTGCAAGCAGGCCCTTGGAACACAGGCAGGTCCTTGGAACACAGGGTAAG-3'
Protein context (NP_001202.5, residues 294-314): PWIAPPMPRA[Lys304Thr]ENELQAGPWN

ClinVar aggregate classification (germline): Uncertain significance (1 of 4 stars; one submission).

Conditions:
Inborn genetic diseases. Identifiers: MedGen C0950123, MeSH D030342.

Submission:

Ambry Genetics
Classification: Uncertain significance for Inborn genetic diseases. Last evaluated: 2025-09-25. Review status: criteria provided, single submitter. Criteria: Ambry Variant Classification Scheme 2023. Collection method: clinical testing. Allele origin: germline.
Comment: The p.K304T variant (also known as c.911A>C), located in coding exon 7 of the BUB1B gene, results from an A to C substitution at nucleotide position 911. The lysine at codon 304 is replaced by threonine, an amino acid with similar properties. This amino acid position is conserved. In addition, the in silico prediction for this alteration is inconclusive. Based on the available evidence, the clinical significance of this variant remains unclear.